The following is an entry in ClinVar:

ClinVar aggregate classification (germline): Benign/Likely benign. Review status: criteria provided, multiple submitters, no conflicts (2 of 4 stars). 6 submissions from 6 submitters: Benign (2); Likely benign (4). Last evaluated 2026-02-03.

Conditions:
Acrocallosal syndrome (ACLS). Also called: Schinzel syndrome 1; Absence of corpus callosum with unusual facial appearance, mental deficiency, duplication of the halluces and polydactyly; HALLUX DUPLICATION, POSTAXIAL POLYDACTYLY, AND ABSENCE OF CORPUS CALLOSUM. Identifiers: Orphanet 36, MedGen C0796147, MONDO:0008708, OMIM 200990.

Allele frequency attached by ClinVar (database versions not stated): gnomAD 0.00229; 1000 Genomes Project 0.00260; TOPMed 0.00297; ESP Exome Variant Server 0.00316; 1000 Genomes Project 30x 0.00359.
gnomAD v4.1: 737 of 1,610,384 alleles (0.046%); highest among the groups gnomAD compares: African/African-American, 0.87%; 2 homozygotes.

Submissions (6):

Labcorp Genetics (formerly Invitae), Labcorp
Classification: Benign for Acrocallosal syndrome. Last evaluated: 2026-02-03. Review status: criteria provided, single submitter. Criteria: Invitae Variant Classification Sherloc (09022015). Collection method: clinical testing. Allele origin: germline.

Mayo Clinic Laboratories, Mayo Clinic
Classification: Likely benign. Last evaluated: 2025-04-23. Review status: criteria provided, single submitter. Criteria: ACMG Guidelines, 2015. Collection method: clinical testing. Allele origin: germline. Observed: 1 variant allele.
Comment: BS1, BP4_moderate

Blueprint Genetics
Classification: Likely benign. Last evaluated: 2024-10-02. Review status: criteria provided, single submitter. Criteria: ACMG Guidelines, 2015. Collection method: clinical testing. Allele origin: germline.

GeneDx
Classification: Likely benign. Last evaluated: 2020-02-13. Review status: criteria provided, single submitter. Criteria: GeneDx Variant Classification Process June 2021. Collection method: clinical testing. Allele origin: germline. Affected: yes.

Eurofins Ntd Llc (ga)
Classification: Benign. Last evaluated: 2015-01-27. Review status: criteria provided, single submitter. Criteria: EGL Classification Definitions 2015. Collection method: clinical testing. Allele origin: germline. Observed: 1 variant allele, 1 heterozygote.

PreventionGenetics, part of Exact Sciences
Classification: Likely benign. Review status: criteria provided, single submitter. Criteria: ACMG Guidelines, 2015. Collection method: clinical testing. Allele origin: germline.

NM_198525.3(KIF7):c.2335G>C (p.Glu779Gln)

Gene: KIF7 (kinesin family member 7; minus strand). Cytogenetic location: 15q26.1.
Variant type: single nucleotide variant.
Coding change: c.2335G>C on transcript NM_198525.3 (MANE Select); coding-DNA position 2335, G replaced by C.
Protein change: p.Glu779Gln; replaces glutamic acid 779 with glutamine.
Molecular consequence: missense variant.
Genome position (GRCh38, 1-based): chr15:89,642,262, C>G on the plus strand (G>C on the coding strand, the complement: KIF7 is on the minus strand). VCF-style: chr15-89642262-C-G. GRCh37 (hg19) VCF-style: chr15-90185493-C-G.
Other names: p.Glu779Gln; short protein forms E779Q.
Identifiers: ClinVar variation 193948 (VCV000193948.21), dbSNP rs116823950, ClinGen allele CA020270.
Genomic context (GRCh38, chr15:89,642,262, plus strand): 5'-CCTGCACCTGGCTCTGGGCCGCAGCGACCCTCCTGCGGAACTCCTGGAGCCGAGACCGCT[C>G]GCCAGCATCCTGGAGCTCCTTGCCCTCGAGCTCCCGCAGCTGCCTCTGGCCTTCACTCAG-3'
Protein context (NP_940927.2, residues 769-789): LEGKELQDAG[Glu779Gln]RSRLQEFRRR